The following is an entry in ClinVar:

ClinVar aggregate classification (germline): Likely benign. Review status: criteria provided, single submitter (1 of 4 stars). 2 submissions from 2 submitters: Likely benign (1). 1 of the submissions does not count toward it. Last evaluated 2024-03-16.

Conditions:
OPLAH-related disorder. Also called: OPLAH-related condition.
5-Oxoprolinase deficiency (OPLAHD). Also called: 5-OXOPROLINURIA DUE TO 5-OXOPROLINASE DEFICIENCY. Identifiers: Orphanet 33572, MedGen C0268525, MONDO:0009825, OMIM 260005, HP:0040142.

Allele frequency attached by ClinVar (database versions not stated): ExAC 0.00017; TOPMed 0.00005; gnomAD exomes 0.00009; gnomAD 0.00009.
gnomAD v4.1: 148 of 1,602,104 alleles (0.0092%); highest among the groups gnomAD compares: Middle Eastern, 0.016%; no homozygotes.

Submissions (2):

Labcorp Genetics (formerly Invitae), Labcorp
Classification: Likely benign for 5-Oxoprolinase deficiency. Last evaluated: 2024-03-16. Review status: criteria provided, single submitter. Criteria: Invitae Variant Classification Sherloc (09022015). Collection method: clinical testing. Allele origin: germline.

PreventionGenetics, part of Exact Sciences
Classification: Likely benign for OPLAH-related condition. Last evaluated: 2020-12-08. Review status: no assertion criteria provided. Collection method: clinical testing. Allele origin: germline. Not counted in ClinVar's aggregate classification.
Comment: This variant is classified as likely benign based on ACMG/AMP sequence variant interpretation guidelines (Richards et al. 2015 PMID: 25741868, with internal and published modifications).

NM_017570.5(OPLAH):c.702G>A (p.Thr234=)

Gene: OPLAH (5-oxoprolinase, ATP-hydrolysing; minus strand). Cytogenetic location: 8q24.3.
Variant type: single nucleotide variant.
Coding change: c.702G>A on transcript NM_017570.5 (MANE Select); coding-DNA position 702, G replaced by A.
Protein change: p.Thr234=; no amino-acid change (threonine 234 retained).
Molecular consequence: synonymous variant.
Genome position (GRCh38, 1-based): chr8:144,058,577, C>T on the plus strand (G>A on the coding strand, the complement: OPLAH is on the minus strand). VCF-style: chr8-144058577-C-T. GRCh37 (hg19) VCF-style: chr8-145113480-C-T.
Other names: c.702G>A (NM_017570.4).
Identifiers: ClinVar variation 2065884 (VCV002065884.6), dbSNP rs782320409, ClinGen allele CA4932192.